The following is an entry in ClinVar:

NM_003906.5(MCM3AP):c.1272C>T (p.Asp424=)

Gene: MCM3AP (minichromosome maintenance complex component 3 associated protein; minus strand). Cytogenetic location: 21q22.3.
Variant type: single nucleotide variant.
Coding change: c.1272C>T on transcript NM_003906.5 (MANE Select); coding-DNA position 1272, C replaced by T.
Protein change: p.Asp424=; no amino-acid change (aspartic acid 424 retained).
Molecular consequence: synonymous variant.
Genome position (GRCh38, 1-based): chr21:46,283,786, G>A on the plus strand (C>T on the coding strand, the complement: MCM3AP is on the minus strand). VCF-style: chr21-46283786-G-A. GRCh37 (hg19) VCF-style: chr21-47703700-G-A.
Identifiers: ClinVar variation 4874708 (VCV004874708.2).
Genomic context (GRCh38, chr21:46,283,786, plus strand): 5'-GTCAGGGATGTTCTTGCACTGGATGGCTGTGACTTCAGAGGGAGACAAGCCCCCAAGACT[G>A]TCTGTGCTCTCGCTTCTGTTACTCTGACGCGCCGGAGTTCCTCTTAGAGAATCTAGGGGT-3'
Protein context (NP_003897.2, residues 414-434): ARQSNRSEST[Asp424=]SLGGLSPSEV

ClinVar aggregate classification (germline): Likely benign (1 of 4 stars; one submission).

gnomAD v4.1: 1 of 1,614,154 alleles (0.000062%); highest among the groups gnomAD compares: Middle Eastern, 0.017%; no homozygotes.

Submission:

CeGaT Center for Human Genetics Tuebingen
Classification: Likely benign. Last evaluated: 2026-04-01. Review status: criteria provided, single submitter. Criteria: CeGaT Center For Human Genetics Tuebingen Variant Classification Criteria Version 2. Collection method: clinical testing. Allele origin: germline. Affected: yes. Observed: 1 variant allele.
Comment: MCM3AP: BP4, BP7